The following is an entry in ClinVar:

NM_001171613.2(PREPL):c.1763C>G (p.Thr588Ser)

Genes: PREPL (prolyl endopeptidase like; minus strand), SLC3A1 (solute carrier family 3 member 1; plus strand). Cytogenetic location: 2p21.
Variant type: single nucleotide variant.
Coding change: c.1763C>G on transcript NM_001171613.2 (MANE Select); coding-DNA position 1763, C replaced by G.
Protein change: p.Thr588Ser; replaces threonine 588 with serine.
Molecular consequence: missense variant.
Genome position (GRCh38, 1-based): chr2:44,321,891, G>C on the plus strand (C>G on the coding strand, the complement: PREPL is on the minus strand). VCF-style: chr2-44321891-G-C. GRCh37 (hg19) VCF-style: chr2-44549030-G-C.
Other names: c.1844C>G, p.Thr615Ser (NM_001042385.2); c.1832C>G, p.Thr611Ser (NM_001042386.2); c.2030C>G, p.Thr677Ser (NM_001171603.1, NM_001171606.2, NM_001374275.1 and 2 more transcripts); c.1763C>G, p.Thr588Ser (NM_001171617.1, NM_001374277.1); short protein forms T615S, T611S, T677S, T588S.
Identifiers: ClinVar variation 1415931 (VCV001415931.6), dbSNP rs1672994938, ClinGen allele CA346687966.

ClinVar aggregate classification (germline): Uncertain significance (1 of 4 stars; one submission).

Conditions:
Myasthenic syndrome, congenital, 22 (CMS22). Also called: PREPL DEFICIENCY. Identifiers: MedGen C4479088, MONDO:0044299, OMIM 616224.

Submission:

Labcorp Genetics (formerly Invitae), Labcorp
Classification: Uncertain significance for Myasthenic syndrome, congenital, 22. Last evaluated: 2024-02-17. Review status: criteria provided, single submitter. Criteria: Invitae Variant Classification Sherloc (09022015). Collection method: clinical testing. Allele origin: germline.
Comment: This sequence change replaces threonine, which is neutral and polar, with serine, which is neutral and polar, at codon 677 of the PREPL protein (p.Thr677Ser). This variant is not present in population databases (gnomAD no frequency). This variant has not been reported in the literature in individuals affected with PREPL-related conditions. ClinVar contains an entry for this variant (Variation ID: 1415931). Advanced modeling of protein sequence and biophysical properties (such as structural, functional, and spatial information, amino acid conservation, physicochemical variation, residue mobility, and thermodynamic stability) performed at Invitae indicates that this missense variant is not expected to disrupt PREPL protein function with a negative predictive value of 80%. In summary, the available evidence is currently insufficient to determine the role of this variant in disease. Therefore, it has been classified as a Variant of Uncertain Significance.